The following is an entry in ClinVar:

ClinVar aggregate classification (germline): Uncertain significance (1 of 4 stars; one submission).

Conditions:
Capillary malformation-arteriovenous malformation syndrome. Also called: Capillary malformation-arteriovenous malformation. Identifiers: Orphanet 137667, MedGen C1842180, MONDO:0012016.

Submission:

Labcorp Genetics (formerly Invitae), Labcorp
Classification: Uncertain significance for Capillary malformation-arteriovenous malformation syndrome. Last evaluated: 2024-08-20. Review status: criteria provided, single submitter. Criteria: Invitae Variant Classification Sherloc (09022015). Collection method: clinical testing. Allele origin: germline.
Comment: This sequence change replaces glutamine, which is neutral and polar, with proline, which is neutral and non-polar, at codon 446 of the RASA1 protein (p.Gln446Pro). This variant is not present in population databases (gnomAD no frequency). This variant has not been reported in the literature in individuals affected with RASA1-related conditions. An algorithm developed to predict the effect of missense changes on protein structure and function (PolyPhen-2) suggests that this variant is likely to be tolerated. In summary, the available evidence is currently insufficient to determine the role of this variant in disease. Therefore, it has been classified as a Variant of Uncertain Significance.

NM_002890.3(RASA1):c.1337A>C (p.Gln446Pro)

Genes: CCNH (cyclin H; minus strand), RASA1 (RAS p21 protein activator 1; plus strand). Cytogenetic location: 5q14.3.
Variant type: single nucleotide variant.
Coding change: c.1337A>C on transcript NM_002890.3 (MANE Select); coding-DNA position 1337, A replaced by C.
Protein change: p.Gln446Pro; replaces glutamine 446 with proline.
Molecular consequence: missense variant. On other transcripts: intron variant (1).
Genome position (GRCh38, 1-based): chr5:87,362,555, A>C. VCF-style: chr5-87362555-A-C. GRCh37 (hg19) VCF-style: chr5-86658372-A-C.
Other names: c.806A>C, p.Gln269Pro (NM_022650.3); c.933+32489T>G (NM_001364075.2); short protein forms Q446P, Q269P.
Identifiers: ClinVar variation 3663029 (VCV003663029.2).
Genomic context (GRCh38, chr5:87,362,555, plus strand): 5'-TTACTTCATTTCCATCAAGAATGTATGAAATAATTTTAATGTTTTTTAAAATTCAGGATC[A>C]AGAACAAGTACTCAATGACACAGTGGATGGCAAGGAAATCTATAATACCATCCGTCGTAA-3'
Protein context (NP_002881.1, residues 436-456): YLKEPVPMQD[Gln446Pro]EQVLNDTVDG